The following is an entry in ClinVar:

NM_000275.3(OCA2):c.1226A>G (p.Tyr409Cys)

Gene: OCA2 (OCA2 melanosomal transmembrane protein; minus strand). Cytogenetic location: 15q13.1.
Variant type: single nucleotide variant.
Coding change: c.1226A>G on transcript NM_000275.3 (MANE Select); coding-DNA position 1226, A replaced by G.
Protein change: p.Tyr409Cys; replaces tyrosine 409 with cysteine.
Molecular consequence: missense variant.
Genome position (GRCh38, 1-based): chr15:27,986,600, T>C on the plus strand (A>G on the coding strand, the complement: OCA2 is on the minus strand). VCF-style: chr15-27986600-T-C. GRCh37 (hg19) VCF-style: chr15-28231746-T-C.
Other names: c.1154A>G, p.Tyr385Cys (NM_001300984.2); c.1226A>G (NM_000275.2); short protein forms Y409C, Y385C.
Identifiers: ClinVar variation 193987 (VCV000193987.9), dbSNP rs376863406, ClinGen allele CA239741.

ClinVar aggregate classification (germline): Uncertain significance. Review status: criteria provided, multiple submitters, no conflicts (2 of 4 stars). 3 submissions from 3 submitters: Uncertain significance (3). Last evaluated 2025-08-29.

Conditions:
Inborn genetic diseases. Identifiers: MedGen C0950123, MeSH D030342.

Allele frequency attached by ClinVar (database versions not stated): gnomAD 0.00002; ExAC 0.00003; gnomAD exomes 0.00004; TOPMed 0.00004; ESP Exome Variant Server 0.00008.
gnomAD v4.1: 58 of 1,586,888 alleles (0.0037%); highest among the groups gnomAD compares: Middle Eastern, 0.017%; no homozygotes.

Submissions (3):

Ambry Genetics
Classification: Uncertain significance for Inborn genetic diseases. Last evaluated: 2025-08-29. Review status: criteria provided, single submitter. Criteria: Ambry Variant Classification Scheme 2023. Collection method: clinical testing. Allele origin: germline.

Labcorp Genetics (formerly Invitae), Labcorp
Classification: Uncertain significance. Last evaluated: 2024-03-16. Review status: criteria provided, single submitter. Criteria: Invitae Variant Classification Sherloc (09022015). Collection method: clinical testing. Allele origin: germline.
Comment: This sequence change replaces tyrosine, which is neutral and polar, with cysteine, which is neutral and slightly polar, at codon 409 of the OCA2 protein (p.Tyr409Cys). This variant is present in population databases (rs376863406, gnomAD 0.007%). This variant has not been reported in the literature in individuals affected with OCA2-related conditions. ClinVar contains an entry for this variant (Variation ID: 193987). Advanced modeling of protein sequence and biophysical properties (such as structural, functional, and spatial information, amino acid conservation, physicochemical variation, residue mobility, and thermodynamic stability) performed at Invitae indicates that this missense variant is expected to disrupt OCA2 protein function with a positive predictive value of 80%. In summary, the available evidence is currently insufficient to determine the role of this variant in disease. Therefore, it has been classified as a Variant of Uncertain Significance.

Eurofins Ntd Llc (ga)
Classification: Uncertain significance. Last evaluated: 2014-11-07. Review status: criteria provided, single submitter. Criteria: EGL Classification Definitions 2015. Collection method: clinical testing. Allele origin: germline. Observed: 1 variant allele, 1 heterozygote.